The following is an entry in ClinVar:

ClinVar aggregate classification (germline): Likely benign (1 of 4 stars; one submission).

Submission:

CeGaT Center for Human Genetics Tuebingen
Classification: Likely benign. Last evaluated: 2025-12-01. Review status: criteria provided, single submitter. Criteria: CeGaT Center For Human Genetics Tuebingen Variant Classification Criteria Version 2. Collection method: clinical testing. Allele origin: germline. Affected: yes. Observed: 1 variant allele.
Comment: KIF7: PM2:Supporting, BP4, BP7

NM_198525.3(KIF7):c.3852T>G (p.Gly1284=)

Gene: KIF7 (kinesin family member 7; minus strand). Cytogenetic location: 15q26.1.
Variant type: single nucleotide variant.
Coding change: c.3852T>G on transcript NM_198525.3 (MANE Select); coding-DNA position 3852, T replaced by G.
Protein change: p.Gly1284=; no amino-acid change (glycine 1284 retained).
Molecular consequence: synonymous variant.
Genome position (GRCh38, 1-based): chr15:89,628,599, A>C on the plus strand (T>G on the coding strand, the complement: KIF7 is on the minus strand). VCF-style: chr15-89628599-A-C. GRCh37 (hg19) VCF-style: chr15-90171830-A-C.
Identifiers: ClinVar variation 4681865 (VCV004681865.5).